The following is an entry in ClinVar:

NM_001421.4(ELF4):c.283G>A (p.Ala95Thr)

Gene: ELF4 (E74 like ETS transcription factor 4; minus strand). Cytogenetic location: Xq26.1.
Variant type: single nucleotide variant.
Coding change: c.283G>A on transcript NM_001421.4 (MANE Select); coding-DNA position 283, G replaced by A.
Protein change: p.Ala95Thr; replaces alanine 95 with threonine.
Molecular consequence: missense variant.
Genome position (GRCh38, 1-based): chrX:130,074,106, C>T on the plus strand (G>A on the coding strand, the complement: ELF4 is on the minus strand). VCF-style: chrX-130074106-C-T. GRCh37 (hg19) VCF-style: chrX-129208081-C-T.
Other names: c.283G>A, p.Ala95Thr (NM_001127197.2, NM_001440765.1, NM_001440766.1); short protein forms A95T.
Identifiers: ClinVar variation 4533901 (VCV004533901.6).

ClinVar aggregate classification (germline): Likely benign (1 of 4 stars; one submission).

Submission:

CeGaT Center for Human Genetics Tuebingen
Classification: Likely benign. Last evaluated: 2025-10-01. Review status: criteria provided, single submitter. Criteria: CeGaT Center For Human Genetics Tuebingen Variant Classification Criteria Version 2. Collection method: clinical testing. Allele origin: germline. Affected: yes. Observed: 1 variant allele.
Comment: ELF4: BP4, BS2